The following is an entry in ClinVar:

NM_002336.3(LRP6):c.3380A>G (p.Glu1127Gly)

Gene: LRP6 (LDL receptor related protein 6; minus strand). Cytogenetic location: 12p13.2.
Variant type: single nucleotide variant.
Coding change: c.3380A>G on transcript NM_002336.3 (MANE Select); coding-DNA position 3380, A replaced by G.
Protein change: p.Glu1127Gly; replaces glutamic acid 1127 with glycine.
Molecular consequence: missense variant.
Genome position (GRCh38, 1-based): chr12:12,147,383, T>C on the plus strand (A>G on the coding strand, the complement: LRP6 is on the minus strand). VCF-style: chr12-12147383-T-C. GRCh37 (hg19) VCF-style: chr12-12300317-T-C.
Other names: c.3380A>G (NM_002336.2); short protein forms E1127G.
Identifiers: ClinVar variation 1595516 (VCV001595516.10), dbSNP rs560813860, ClinGen allele CA6455262.
Genomic context (GRCh38, chr12:12,147,383, plus strand): 5'-TTAAAAACTCAAATTAAAATAAGGAAACATATTTCTTGGGTACCTGAGAGATCACTGCTT[T>C]CAATTCGCCGGAGATCTGAATCAGCCCAAAAGAGCTTGCCCAGCCTGCTATCAAGGGCTA-3'
Protein context (NP_002327.2, residues 1117-1137): FWADSDLRRI[Glu1127Gly]SSDLSGANRI

ClinVar aggregate classification (germline): Conflicting classifications of pathogenicity. Review status: criteria provided, conflicting classifications (1 of 4 stars). 3 submissions from 3 submitters: Uncertain significance (2); Likely benign (1). Last evaluated 2025-06-09.

Conditions:
Inborn genetic diseases. Identifiers: MedGen C0950123, MeSH D030342.

Allele frequency attached by ClinVar (database versions not stated): TOPMed 0.00001; gnomAD 0.00005; gnomAD exomes 0.00013 and 0.00033; ExAC 0.00031; 1000 Genomes Project 30x 0.00047; 1000 Genomes Project 0.00060.
gnomAD v4.1: 195 of 1,614,166 alleles (0.012%); highest among the groups gnomAD compares: South Asian, 0.21%; 4 homozygotes.

Submissions (3):

Labcorp Genetics (formerly Invitae), Labcorp
Classification: Likely benign. Last evaluated: 2025-06-09. Review status: criteria provided, single submitter. Criteria: Invitae Variant Classification Sherloc (09022015). Collection method: clinical testing. Allele origin: germline.

Ambry Genetics
Classification: Uncertain significance for Inborn genetic diseases. Last evaluated: 2025-04-15. Review status: criteria provided, single submitter. Criteria: Ambry Variant Classification Scheme 2023. Collection method: clinical testing. Allele origin: germline.

GeneDx
Classification: Uncertain significance. Last evaluated: 2023-01-13. Review status: criteria provided, single submitter. Criteria: GeneDx Variant Classification Process June 2021. Collection method: clinical testing. Allele origin: germline. Affected: yes.
Comment: In silico analysis supports that this missense variant has a deleterious effect on protein structure/function; Has not been previously published as pathogenic or benign to our knowledge